The following is an entry in ClinVar:

ClinVar aggregate classification (germline): Pathogenic (1 of 4 stars; one submission).

Submission:

Labcorp Genetics (formerly Invitae), Labcorp
Classification: Pathogenic. Last evaluated: 2025-05-27. Review status: criteria provided, single submitter. Criteria: Invitae Variant Classification Sherloc (09022015). Collection method: clinical testing. Allele origin: germline.
Comment: This sequence change creates a premature translational stop signal (p.Gln501*) in the GUCY1A1 gene. It is expected to result in an absent or disrupted protein product. Loss-of-function variants in GUCY1A1 are known to be pathogenic (PMID: 24581742). This variant is not present in population databases (gnomAD no frequency). This variant has not been reported in the literature in individuals affected with GUCY1A1-related conditions. For these reasons, this variant has been classified as Pathogenic.

Literature cited by the submitters: PubMed 24581742.

NM_001130682.3(GUCY1A1):c.1501C>T (p.Gln501Ter)

Gene: GUCY1A1 (guanylate cyclase 1 soluble subunit alpha 1; plus strand). Cytogenetic location: 4q32.1.
Variant type: single nucleotide variant.
Coding change: c.1501C>T on transcript NM_001130682.3 (MANE Select); coding-DNA position 1501, C replaced by T.
Protein change: p.Gln501Ter; replaces glutamine 501 with a stop codon.
Molecular consequence: nonsense.
Genome position (GRCh38, 1-based): chr4:155,713,512, C>T. VCF-style: chr4-155713512-C-T. GRCh37 (hg19) VCF-style: chr4-156634664-C-T.
Other names: c.1501C>T, p.Gln501Ter (NM_000856.6, NM_001130683.4, NM_001130684.3 and 12 more transcripts); c.796C>T, p.Gln266Ter (NM_001130685.3, NM_001440518.1); c.994C>T, p.Gln332Ter (NM_001379676.1); short protein forms Q332*, Q501*, Q266*.
Identifiers: ClinVar variation 4720358 (VCV004720358.1).